The following is an entry in ClinVar:

NM_001077653.2(TBX20):c.147G>A (p.Ser49=)

Gene: TBX20 (T-box transcription factor 20; minus strand). Cytogenetic location: 7p14.2.
Variant type: single nucleotide variant.
Coding change: c.147G>A on transcript NM_001077653.2 (MANE Select); coding-DNA position 147, G replaced by A.
Protein change: p.Ser49=; no amino-acid change (serine 49 retained).
Molecular consequence: synonymous variant.
Genome position (GRCh38, 1-based): chr7:35,250,184, C>T on the plus strand (G>A on the coding strand, the complement: TBX20 is on the minus strand). VCF-style: chr7-35250184-C-T. GRCh37 (hg19) VCF-style: chr7-35289796-C-T.
Other names: c.147G>A, p.Ser49= (NM_001166220.1).
Identifiers: ClinVar variation 1536048 (VCV001536048.11), dbSNP rs148550730, ClinGen allele CA4217568.

ClinVar aggregate classification (germline): Likely benign. Review status: criteria provided, multiple submitters, no conflicts (2 of 4 stars). 3 submissions from 3 submitters: Likely benign (2). 1 of the submissions does not count toward it. Last evaluated 2025-12-31.

Conditions:
TBX20-related disorder. Also called: TBX20-related condition.

Allele frequency attached by ClinVar (database versions not stated): gnomAD exomes 0.00003; 1000 Genomes Project 30x 0.00016; 1000 Genomes Project 0.00020.
gnomAD v4.1: 45 of 1,614,044 alleles (0.0028%); highest among the groups gnomAD compares: South Asian, 0.0055%; no homozygotes.

Submissions (3):

Labcorp Genetics (formerly Invitae), Labcorp
Classification: Likely benign. Last evaluated: 2025-12-31. Review status: criteria provided, single submitter. Criteria: Invitae Variant Classification Sherloc (09022015). Collection method: clinical testing. Allele origin: germline.

Blueprint Genetics
Classification: Likely benign. Last evaluated: 2021-10-20. Review status: criteria provided, single submitter. Criteria: ACMG Guidelines, 2015. Collection method: clinical testing. Allele origin: germline.

PreventionGenetics, part of Exact Sciences
Classification: Likely benign for TBX20-related condition. Last evaluated: 2020-04-13. Review status: no assertion criteria provided. Collection method: clinical testing. Allele origin: germline. Not counted in ClinVar's aggregate classification.
Comment: This variant is classified as likely benign based on ACMG/AMP sequence variant interpretation guidelines (Richards et al. 2015 PMID: 25741868, with internal and published modifications).